The following is an entry in ClinVar:

NM_000416.3(IFNGR1):c.920T>G (p.Leu307Arg)

Gene: IFNGR1 (interferon gamma receptor 1; minus strand). Cytogenetic location: 6q23.3.
Variant type: single nucleotide variant.
Coding change: c.920T>G on transcript NM_000416.3 (MANE Select); coding-DNA position 920, T replaced by G.
Protein change: p.Leu307Arg; replaces leucine 307 with arginine.
Molecular consequence: missense variant.
Genome position (GRCh38, 1-based): chr6:137,198,581, A>C on the plus strand (T>G on the coding strand, the complement: IFNGR1 is on the minus strand). VCF-style: chr6-137198581-A-C. GRCh37 (hg19) VCF-style: chr6-137519718-A-C.
Other names: c.890T>G, p.Leu297Arg (NM_001363526.1); c.797T>G, p.Leu266Arg (NM_001363527.1); short protein forms L297R, L266R, L307R.
Identifiers: ClinVar variation 1490414 (VCV001490414.6), dbSNP rs774573709, ClinGen allele CA4018848.

ClinVar aggregate classification (germline): Uncertain significance (1 of 4 stars; one submission).

Conditions:
Disseminated atypical mycobacterial infection. Identifiers: MedGen C0694566.

Allele frequency attached by ClinVar (database versions not stated): gnomAD exomes below 0.00001; ExAC 0.00001.

Submission:

Labcorp Genetics (formerly Invitae), Labcorp
Classification: Uncertain significance for Disseminated atypical mycobacterial infection. Last evaluated: 2021-11-22. Review status: criteria provided, single submitter. Criteria: Invitae Variant Classification Sherloc (09022015). Collection method: clinical testing. Allele origin: germline.
Comment: In summary, the available evidence is currently insufficient to determine the role of this variant in disease. Therefore, it has been classified as a Variant of Uncertain Significance. Algorithms developed to predict the effect of missense changes on protein structure and function output the following: SIFT: "Tolerated"; PolyPhen-2: "Benign"; Align-GVGD: "Class C0". The arginine amino acid residue is found in multiple mammalian species, which suggests that this missense change does not adversely affect protein function. This variant has not been reported in the literature in individuals affected with IFNGR1-related conditions. This variant is present in population databases (rs774573709, gnomAD 0.0009%). This sequence change replaces leucine, which is neutral and non-polar, with arginine, which is basic and polar, at codon 307 of the IFNGR1 protein (p.Leu307Arg).